The following is an entry in ClinVar:

NM_182914.3(SYNE2):c.17236-4T>G

Gene: SYNE2 (spectrin repeat containing nuclear envelope protein 2; plus strand). Cytogenetic location: 14q23.2.
Variant type: single nucleotide variant.
Coding change: c.17236-4T>G on transcript NM_182914.3 (MANE Select); 4 bases into the intron before coding-DNA position 17236, T replaced by G.
Molecular consequence: intron variant.
Genome position (GRCh38, 1-based): chr14:64,174,940, T>G. VCF-style: chr14-64174940-T-G. GRCh37 (hg19) VCF-style: chr14-64641658-T-G.
Other names: c.17236-4T>G (NM_015180.6).
Identifiers: ClinVar variation 4281138 (VCV004281138.7).
Genomic context (GRCh38, chr14:64,174,940, plus strand): 5'-CACACACAATCACATTTTGAACACATCAGAAACCTAAGCAAATTACTTCTCTTTTTTTTC[T>G]TAGAATAAAGAAATTCATTTTCAAAGGAGGCGAACTACCTGTGCCCTAACCTTGGAAGCT-3'

ClinVar aggregate classification (germline): Uncertain significance (1 of 4 stars; one submission).

gnomAD v4.1: 1 of 1,613,868 alleles (0.000062%); highest among the groups gnomAD compares: Non-Finnish European, 0.000085%; no homozygotes.

Submission:

CeGaT Center for Human Genetics Tuebingen
Classification: Uncertain significance. Last evaluated: 2025-09-01. Review status: criteria provided, single submitter. Criteria: CeGaT Center For Human Genetics Tuebingen Variant Classification Criteria Version 2. Collection method: clinical testing. Allele origin: germline. Affected: yes. Observed: 1 variant allele.
Comment: SYNE2: PM2, BP4